The following is an entry in ClinVar:

NM_015166.4(MLC1):c.264del (p.Ser89fs)

Genes: MLC1 (modulator of VRAC current 1; minus strand), LOC125446261 (Sharpr-MPRA regulatory region 9327; plus strand). Cytogenetic location: 22q13.33.
Variant type: Deletion.
Coding change: c.264del on transcript NM_015166.4 (MANE Select); coding-DNA position 264, one base deleted (C; older notation c.264delC).
Protein change: p.Ser89fs; shifts the reading frame from serine 89.
Molecular consequence: frameshift variant. On other transcripts: non-coding transcript variant (3), intron variant (1).
Genome position (GRCh38, 1-based): chr22:50,083,087, G deleted on the plus strand (C on the coding strand, the reverse complement: MLC1 is on the minus strand). VCF-style (leftmost placement, unchanged base first): chr22-50083086-AG-A. GRCh37 (hg19) VCF-style: chr22-50521515-AG-A.
Other names: c.264del, p.Ser89fs (NM_001376472.1, NM_001376473.1, NM_001376474.1 and 9 more transcripts); c.27del, p.Ser10fs (NM_001376484.1); c.177+1639del (NM_001376480.1); short protein forms S10fs, S89fs.
Identifiers: ClinVar variation 5012691 (VCV005012691.1).
Genomic context (GRCh38, chr22:50,083,086, plus strand): 5'-ACCAGAGCACGTGCCGGCGAGCTTGGGCACTGGCAGAGGCGTGGAGGAAGCTGCTTACAG[AG>A]CCTGCAGCACAGCGCAAGTAATCCATCTCAGCCGGGAACACGTTCCCCAGGTACAGCGAA-3'

ClinVar aggregate classification (germline): Pathogenic (1 of 4 stars; one submission).

Conditions:
Megalencephalic leukoencephalopathy with subcortical cysts 1 (MLC1). Also called: LEUKOENCEPHALOPATHY WITH SWELLING AND CYSTS; VACUOLATING MEGALENCEPHALIC LEUKOENCEPHALOPATHY WITH SUBCORTICAL CYSTS. Identifiers: Orphanet 2478, MedGen C5779875, MONDO:0024555, OMIM 604004.

Submission:

Myriad Genetics, Inc.
Classification: Pathogenic for Megalencephalic leukoencephalopathy with subcortical cysts 1. Last evaluated: 2024-01-30. Review status: criteria provided, single submitter. Criteria: Myriad Autosomal Dominant, Autosomal Recessive and X-Linked Classification Criteria (2023). Collection method: clinical testing. Allele origin: unknown.
Comment: NM_015166.3(MLC1):c.264delC(S89Lfs*8) is expected to be pathogenic in the context of megalencephalic leukoencephalopathy with subcortical cysts. This variant is predicted to lead to an abnormal or absent protein product due to the creation of a premature termination codon in MLC1, a gene where loss-of-function variants are known to be pathogenic. Please note: this variant was assessed in the context of healthy population screening.